The following is an entry in ClinVar:

NM_004006.3(DMD):c.7781A>G (p.Gln2594Arg)

Gene: DMD (dystrophin; minus strand). Cytogenetic location: Xp21.1.
Variant type: single nucleotide variant.
Coding change: c.7781A>G on transcript NM_004006.3 (MANE Select); coding-DNA position 7781, A replaced by G.
Protein change: p.Gln2594Arg; replaces glutamine 2594 with arginine.
Molecular consequence: missense variant.
Genome position (GRCh38, 1-based): chrX:31,679,466, T>C on the plus strand (A>G on the coding strand, the complement: DMD is on the minus strand). VCF-style: chrX-31679466-T-C. GRCh37 (hg19) VCF-style: chrX-31697583-T-C.
Other names: c.7757A>G, p.Gln2586Arg (NM_000109.4); c.7769A>G, p.Gln2590Arg (NM_004009.3); c.7412A>G, p.Gln2471Arg (NM_004010.3); c.3758A>G, p.Gln1253Arg (NM_004011.4); c.3749A>G, p.Gln1250Arg (NM_004012.4); c.401A>G, p.Gln134Arg (NM_004013.3, NM_004020.4, NM_004021.3 and 2 more transcripts); short protein forms Q2594R, Q1250R, Q2471R, Q1253R, Q134R, Q2586R, Q2590R.
Identifiers: ClinVar variation 526118 (VCV000526118.38), dbSNP rs777178221, ClinGen allele CA10378213.
Genomic context (GRCh38, chrX:31,679,466, plus strand): 5'-TCTACTGTATAGGGACCCTCCTTCCATGACTCAAGCTTGGCTCTGGCCTGTCCTAAGACC[T>C]GCTCAGCTTCTTCCTTAGCTTCCAGCCATTGTGTTGAATCCTTTAACATTTCATTCAACT-3'
Protein context (NP_003997.2, residues 2584-2604): QWLEAKEEAE[Gln2594Arg]VLGQARAKLE

ClinVar aggregate classification (germline): Conflicting classifications of pathogenicity. Review status: criteria provided, conflicting classifications (1 of 4 stars). 4 submissions from 4 submitters: Uncertain significance (1); Likely benign (2). 1 of the submissions does not count toward it. Last evaluated 2025-12-26.

Conditions:
Dystrophin deficiency.
Cardiomyopathy (CMYO). Also called: Cardiomyopathies. Identifiers: Orphanet 167848, MedGen C0878544, MONDO:0004994, HP:0001638. Inheritance: Various modes of inheritance.
Becker muscular dystrophy (BMD). Also called: Becker Muscular Dystrophy (BMD); MUSCULAR DYSTROPHY, PSEUDOHYPERTROPHIC PROGRESSIVE, BECKER TYPE. Identifiers: Orphanet 98895, MedGen C0917713, MONDO:0010311, OMIM 300376.
Duchenne muscular dystrophy (DMD). Also called: MUSCULAR DYSTROPHY, PSEUDOHYPERTROPHIC PROGRESSIVE, DUCHENNE TYPE; Duchenne Muscular Dystrophy (DMD). Identifiers: Orphanet 98896, MedGen C0013264, MONDO:0010679, OMIM 310200.

Allele frequency attached by ClinVar (database versions not stated): gnomAD exomes 0.00003 and 0.00005; TOPMed 0.00004; gnomAD 0.00005; ExAC 0.00011.
gnomAD v4.1: 42 of 1,210,572 alleles (0.0035%); highest among the groups gnomAD compares: Middle Eastern, 0.091%; 1 homozygote.

Submissions (4):

Labcorp Genetics (formerly Invitae), Labcorp
Classification: Likely benign for Duchenne muscular dystrophy. Last evaluated: 2025-12-26. Review status: criteria provided, single submitter. Criteria: Invitae Variant Classification Sherloc (09022015). Collection method: clinical testing. Allele origin: germline.

Blueprint Genetics
Classification: Uncertain significance. Last evaluated: 2024-10-22. Review status: criteria provided, single submitter. Criteria: ACMG Guidelines, 2015. Collection method: clinical testing. Allele origin: germline.

CeGaT Center for Human Genetics Tuebingen
Classification: Likely benign. Last evaluated: 2023-02-01. Review status: criteria provided, single submitter. Criteria: CeGaT Center For Human Genetics Tuebingen Variant Classification Criteria Version 2. Collection method: clinical testing. Allele origin: germline. Affected: yes. Observed: 1 variant allele.
Comment: DMD: BP4, BS2

Natera, Inc.
Classification: Likely benign for Becker muscular dystrophy; Cardiomyopathy; Duchenne muscular dystrophy; Dystrophin deficiency. Last evaluated: 2020-10-06. Review status: no assertion criteria provided. Collection method: clinical testing. Allele origin: germline. Not counted in ClinVar's aggregate classification.